The following is an entry in ClinVar:

ClinVar aggregate classification (germline): Pathogenic (1 of 4 stars; one submission).

Submission:

Labcorp Genetics (formerly Invitae), Labcorp
Classification: Pathogenic. Last evaluated: 2022-08-23. Review status: criteria provided, single submitter. Criteria: Invitae Variant Classification Sherloc (09022015). Collection method: clinical testing. Allele origin: germline.
Comment: This variant is a gross deletion of the genomic region encompassing exon(s) 22-30 of the USH2A gene. This variant would be expected to be in-frame, preserving the integrity of the reading frame. This variant has not been reported in the literature in individuals affected with USH2A-related conditions. The region of the USH2A gene that includes exon(s) 22-23 has been determined to be clinically significant (PMID: 17405132, 23924366). Therefore, deletions that encompass that region are likely to be disease-causing. For these reasons, this variant has been classified as Pathogenic.

Literature cited by the submitters: PubMed 17405132; PubMed 23924366.

NC_000001.11:g.(?_216070101)_(216097213_?)del

Gene: USH2A (usherin; minus strand). Cytogenetic location: 1q41.
Variant type: Deletion.
Identifiers: ClinVar variation 830583 (VCV000830583.7).